The following is an entry in ClinVar:

NM_152641.4(ARID2):c.410G>C (p.Ser137Thr)

Gene: ARID2 (AT-rich interaction domain 2; plus strand). Cytogenetic location: 12q12.
Variant type: single nucleotide variant.
Coding change: c.410G>C on transcript NM_152641.4 (MANE Select); coding-DNA position 410, G replaced by C.
Protein change: p.Ser137Thr; replaces serine 137 with threonine.
Molecular consequence: missense variant.
Genome position (GRCh38, 1-based): chr12:45,811,543, G>C. VCF-style: chr12-45811543-G-C. GRCh37 (hg19) VCF-style: chr12-46205326-G-C.
Other names: c.410G>C, p.Ser137Thr (NM_001347839.2); short protein forms S137T.
Identifiers: ClinVar variation 1034326 (VCV001034326.1), dbSNP rs1459853256, ClinGen allele CA384610491.
Genomic context (GRCh38, chr12:45,811,543, plus strand): 5'-ATCCAAAGCCACAGCTTCCTATTGGTGCAATTCCATCTTCCTACAATTACCAGCAACACA[G>C]TGTGTCGGGTAAATATCACTGCAAATTAACAGGATATATGTCCGCAGTTTTGAATTAGGA-3'
Protein context (NP_689854.2, residues 127-147): IPSSYNYQQH[Ser137Thr]VSDYLRQSYG

ClinVar aggregate classification (germline): Uncertain significance (1 of 4 stars; one submission).

Conditions:
Coffin-Siris syndrome 6. Identifiers: MedGen C4540499, MONDO:0033492, OMIM 617808.

gnomAD v4.1: 1 of 1,612,692 alleles (0.000062%); highest among the groups gnomAD compares: Admixed American, 0.0017%; no homozygotes.

Submission:

Baylor Genetics
Classification: Uncertain significance for Coffin-Siris syndrome 6. Last evaluated: 2018-07-16. Review status: criteria provided, single submitter. Criteria: ACMG Guidelines, 2015. Collection method: clinical testing. Allele origin: paternal. Affected: yes.
Comment: This variant was determined to be of uncertain significance according to ACMG Guidelines, 2015 [PMID:25741868].